The following is an entry in ClinVar:

ClinVar aggregate classification (germline): Uncertain significance. Review status: criteria provided, multiple submitters, no conflicts (2 of 4 stars). 3 submissions from 3 submitters: Uncertain significance (3). Last evaluated 2021-12-24.

Conditions:
Amyotrophic lateral sclerosis type 1 (ALS1). Also called: AMYOTROPHIC LATERAL SCLEROSIS 1, FAMILIAL. Identifiers: Orphanet 803, MedGen C1862939, MONDO:0007103, OMIM 105400.

Submissions (3):

Labcorp Genetics (formerly Invitae), Labcorp
Classification: Uncertain significance for Amyotrophic lateral sclerosis type 1. Last evaluated: 2021-12-24. Review status: criteria provided, single submitter. Criteria: Invitae Variant Classification Sherloc (09022015). Collection method: clinical testing. Allele origin: germline.
Comment: This sequence change replaces isoleucine, which is neutral and non-polar, with phenylalanine, which is neutral and non-polar, at codon 36 of the SOD1 protein (p.Ile36Phe). This variant is not present in population databases (gnomAD no frequency). This variant has not been reported in the literature in individuals affected with SOD1-related conditions. ClinVar contains an entry for this variant (Variation ID: 392404). Advanced modeling of protein sequence and biophysical properties (such as structural, functional, and spatial information, amino acid conservation, physicochemical variation, residue mobility, and thermodynamic stability) performed at Invitae indicates that this missense variant is expected to disrupt SOD1 protein function. In summary, the available evidence is currently insufficient to determine the role of this variant in disease. Therefore, it has been classified as a Variant of Uncertain Significance.

Blueprint Genetics
Classification: Uncertain significance. Last evaluated: 2019-04-25. Review status: criteria provided, single submitter. Criteria: ACMG Guidelines, 2015. Collection method: clinical testing. Allele origin: germline.

GeneDx
Classification: Uncertain significance. Last evaluated: 2017-01-18. Review status: criteria provided, single submitter. Criteria: GeneDx Variant Classification (06012015). Collection method: clinical testing. Allele origin: germline. Affected: yes.
Comment: The I36F variant in the SOD1 gene has not been reported previously as a pathogenic variant, nor as a benign variant, to our knowledge. The I36F variant was not observed in approximately 6500 individuals of European and African American ancestry in the NHLBI Exome Sequencing Project, indicating it is not a common benign variant in these populations. The I36F variant is a conservative amino acid substitution, which is not likely to impact secondary protein structure as these residues share similar properties. However, this substitution occurs at a position that is conserved across species, and in silico analysis predicts this variant is probably damaging to the protein structure/function. Missense variants in nearby residues (V32A, G38R, G38V, L39V, L39R, E41G) have been reported in the Human Gene Mutation Database in association with ALS (Stenson et al., 2014), supporting the functional importance of this region of the protein. We interpret I36F as a variant of uncertain significance.

NM_000454.5(SOD1):c.106A>T (p.Ile36Phe)

Gene: SOD1 (superoxide dismutase 1; plus strand). Cytogenetic location: 21q22.11.
Variant type: single nucleotide variant.
Coding change: c.106A>T on transcript NM_000454.5 (MANE Select); coding-DNA position 106, A replaced by T.
Protein change: p.Ile36Phe; replaces isoleucine 36 with phenylalanine.
Molecular consequence: missense variant.
Genome position (GRCh38, 1-based): chr21:31,663,823, A>T. VCF-style: chr21-31663823-A-T. GRCh37 (hg19) VCF-style: chr21-33036136-A-T.
Other names: short protein forms I36F.
Identifiers: ClinVar variation 392404 (VCV000392404.7), dbSNP rs1057524474, ClinGen allele CA16608530.